The following is an entry in ClinVar:

ClinVar aggregate classification (germline): Conflicting classifications of pathogenicity. Review status: criteria provided, conflicting classifications (1 of 4 stars). 8 submissions from 7 submitters: Uncertain significance (1); Likely benign (6). 1 of the submissions does not count toward it. Last evaluated 2026-01-07.

Conditions:
IMPDH1-related disorder. Also called: IMPDH1-related condition; IMPDH1-related disorders.
Retinitis pigmentosa 10 (RP10). Identifiers: Orphanet 791, MedGen C1867299, MONDO:0008379, OMIM 180105.
Leber congenital amaurosis 11 (LCA11). Identifiers: Orphanet 65, MedGen C1840284, MONDO:0013454, OMIM 613837.
Retinitis pigmentosa (RP). Identifiers: Orphanet 791, MedGen C0035334, MeSH D012174, MONDO:0019200, OMIM 268000. Inheritance: Autosomal dominant, autosomal recessive and X linked inheritance.

Allele frequency attached by ClinVar (database versions not stated): 1000 Genomes Project 0.00040; 1000 Genomes Project 30x 0.00062; gnomAD 0.00179; ESP Exome Variant Server 0.00231; TOPMed 0.00237; gnomAD exomes 0.00335.

Submissions (8):

Labcorp Genetics (formerly Invitae), Labcorp
Classification: Likely benign. Last evaluated: 2026-01-07. Review status: criteria provided, single submitter. Criteria: Invitae Variant Classification Sherloc (09022015). Collection method: clinical testing. Allele origin: germline.

CeGaT Center for Human Genetics Tuebingen
Classification: Likely benign. Last evaluated: 2025-02-01. Review status: criteria provided, single submitter. Criteria: CeGaT Center For Human Genetics Tuebingen Variant Classification Criteria Version 2. Collection method: clinical testing. Allele origin: germline. Affected: yes. Observed: 1 variant allele.
Comment: IMPDH1: BP4, BS1

Blueprint Genetics
Classification: Likely benign. Last evaluated: 2024-11-21. Review status: criteria provided, single submitter. Criteria: ACMG Guidelines, 2015. Collection method: clinical testing. Allele origin: germline.

Fulgent Genetics
Classification: Uncertain significance for Retinitis pigmentosa 10; Leber congenital amaurosis 11. Last evaluated: 2018-10-31. Review status: criteria provided, single submitter. Criteria: ACMG Guidelines, 2015. Collection method: clinical testing. Allele origin: unknown.

Illumina Laboratory Services, Illumina
Classification: Likely benign for Leber congenital amaurosis 11. Last evaluated: 2018-01-12. Review status: criteria provided, single submitter. Criteria: ICSL Variant Classification Criteria 13 December 2019. Collection method: clinical testing. Allele origin: germline.
Comment: This variant was observed in the ICSL laboratory as part of a predisposition screen in an ostensibly healthy population. It had not been previously curated by ICSL or reported in the Human Gene Mutation Database (HGMD: prior to June 1st, 2018), and was therefore a candidate for classification through an automated scoring system. Utilizing variant allele frequency, disease prevalence and penetrance estimates, and inheritance mode, an automated score was calculated to assess if this variant is too frequent to cause the disease. Based on the score and internal cut-off values, a variant classified as likely benign is not then subjected to further curation. The score for this variant resulted in a classification of likely benign for this disease.

Illumina Laboratory Services, Illumina
Classification: Likely benign for Retinitis pigmentosa. Last evaluated: 2018-01-12. Review status: criteria provided, single submitter. Criteria: ICSL Variant Classification Criteria 13 December 2019. Collection method: clinical testing. Allele origin: germline.
Comment: the same text as in the submission from Illumina Laboratory Services, Illumina above.

Eurofins Ntd Llc (ga)
Classification: Likely benign. Last evaluated: 2017-08-08. Review status: criteria provided, single submitter. Criteria: EGL Classification Definitions 2015. Collection method: clinical testing. Allele origin: germline. Observed: 2 variant alleles, 2 heterozygotes.

PreventionGenetics, part of Exact Sciences
Classification: Likely benign for IMPDH1-related condition. Last evaluated: 2020-08-25. Review status: no assertion criteria provided. Collection method: clinical testing. Allele origin: germline. Not counted in ClinVar's aggregate classification.
Comment: This variant is classified as likely benign based on ACMG/AMP sequence variant interpretation guidelines (Richards et al. 2015 PMID: 25741868, with internal and published modifications).

NM_000883.4(IMPDH1):c.1108G>A (p.Ala370Thr)

Gene: IMPDH1 (inosine monophosphate dehydrogenase 1; minus strand). Cytogenetic location: 7q32.1.
Variant type: single nucleotide variant.
Coding change: c.1108G>A on transcript NM_000883.4 (MANE Select); coding-DNA position 1108, G replaced by A.
Protein change: p.Ala370Thr; replaces alanine 370 with threonine.
Molecular consequence: missense variant.
Genome position (GRCh38, 1-based): chr7:128,396,989, C>T on the plus strand (G>A on the coding strand, the complement: IMPDH1 is on the minus strand). VCF-style: chr7-128396989-C-T. GRCh37 (hg19) VCF-style: chr7-128037043-C-T.
Other names: c.1078G>A, p.Ala360Thr (NM_001102605.2); c.853G>A, p.Ala285Thr (NM_001142573.2); c.838G>A, p.Ala280Thr (NM_001142574.2); c.778G>A, p.Ala260Thr (NM_001142575.2); c.1009G>A, p.Ala337Thr (NM_001142576.2); c.901G>A, p.Ala301Thr (NM_001304521.2); c.1000G>A, p.Ala334Thr (NM_183243.3); short protein forms A370T, A260T, A280T, A285T, A337T, A301T, A334T, A360T.
Identifiers: ClinVar variation 193819 (VCV000193819.30), dbSNP rs72624961, ClinGen allele CA239483.